The following is an entry in ClinVar:

NM_005859.5(PURA):c.112_126dup (p.Gly38_Gly42dup)

Gene: PURA (purine rich element binding protein A; plus strand). Cytogenetic location: 5q31.3.
Variant type: Duplication.
Coding change: c.112_126dup on transcript NM_005859.5 (MANE Select); coding-DNA positions 112 to 126, 15 bases duplicated (GGGGGCGGCGGCGGC).
Protein change: p.Gly38_Gly42dup.
Molecular consequence: inframe insertion.
Genome position (GRCh38, 1-based): chr5:140,114,293-140,114,307, GGGGGCGGCGGCGGC duplicated; duplicating any 15 consecutive bases within chr5:140,114,287-140,114,307 gives the same sequence; the c. name uses the placement nearest the transcript's 3' end. VCF-style (leftmost placement, unchanged base first): chr5-140114286-T-TGGCGGCGGGGGCGGC. GRCh37 (hg19) VCF-style: chr5-139493871-T-TGGCGGCGGGGGCGGC.
Identifiers: ClinVar variation 1401532 (VCV001401532.8), dbSNP rs1561793030, ClinGen allele CA563504661.
Genomic context (GRCh38, chr5:140,114,286, plus strand): 5'-GGGTTCGGGCGGCTCCCTGGGGCACCCCGGCTCGGGCTCAGGCTCCGGCGGGGGCGGTGG[T>TGGCGGCGGGGGCGGC]GGCGGCGGGGGCGGCGGCGGCAGTGGCGGCGGCGGCGGCGGGGCCCCAGGGGGGCTGCAG-3'

ClinVar aggregate classification (germline): Uncertain significance (1 of 4 stars; one submission).

Conditions:
PURA-related severe neonatal hypotonia-seizures-encephalopathy syndrome (NEDRIHF). Also called: NEURODEVELOPMENTAL DISORDER WITH NEONATAL RESPIRATORY INSUFFICIENCY, HYPOTONIA, AND FEEDING DIFFICULTIES; PURA-Related Neurodevelopmental Disorders. Identifiers: Orphanet 438213, Orphanet 438216, MedGen C4015357, MONDO:1060108, OMIM 616158, MONDO:0018580.

Submission:

Labcorp Genetics (formerly Invitae), Labcorp
Classification: Uncertain significance for PURA-related severe neonatal hypotonia-seizures-encephalopathy syndrome. Last evaluated: 2025-10-27. Review status: criteria provided, single submitter. Criteria: Invitae Variant Classification Sherloc (09022015). Collection method: clinical testing. Allele origin: germline.
Comment: This variant, c.112_126dup, results in the insertion of 5 amino acid(s) of the PURA protein (p.Gly38_Gly42dup), but otherwise preserves the integrity of the reading frame. The frequency data for this variant in the population databases is considered unreliable, as metrics indicate poor data quality at this position in the gnomAD database. This variant has not been reported in the literature in individuals affected with PURA-related conditions. ClinVar contains an entry for this variant (Variation ID: 1401532). Experimental studies and prediction algorithms are not available or were not evaluated, and the functional significance of this variant is currently unknown. In summary, the available evidence is currently insufficient to determine the role of this variant in disease. Therefore, it has been classified as a Variant of Uncertain Significance.